The following is an entry in ClinVar:

ClinVar aggregate classification (germline): Pathogenic (1 of 4 stars; one submission).

Conditions:
Gorlin syndrome. Also called: Nevoid Basal Cell Carcinoma Syndrome; Basal cell nevus syndrome. Identifiers: Orphanet 377, MedGen C0004779, MONDO:0007187.

Submission:

Labcorp Genetics (formerly Invitae), Labcorp
Classification: Pathogenic for Gorlin syndrome. Last evaluated: 2019-04-17. Review status: criteria provided, single submitter. Criteria: Invitae Variant Classification Sherloc (09022015). Collection method: clinical testing. Allele origin: germline.
Comment: This sequence change creates a premature translational stop signal (p.Glu989*) in the PTCH1 gene. It is expected to result in an absent or disrupted protein product. This variant is not present in population databases (ExAC no frequency). This variant has not been reported in the literature in individuals with PTCH1-related disease. Loss-of-function variants in PTCH1 are known to be pathogenic (PMID: 16301862, 16419085). For these reasons, this variant has been classified as Pathogenic.

Literature cited by the submitters: PubMed 16301862; PubMed 16419085.

NM_000264.5(PTCH1):c.2965G>T (p.Glu989Ter)

Gene: PTCH1 (patched 1; minus strand). Cytogenetic location: 9q22.32.
Variant type: single nucleotide variant.
Coding change: c.2965G>T on transcript NM_000264.5 (MANE Select); coding-DNA position 2965, G replaced by T.
Protein change: p.Glu989Ter; replaces glutamic acid 989 with a stop codon.
Molecular consequence: nonsense. On other transcripts: non-coding transcript variant (1).
Genome position (GRCh38, 1-based): chr9:95,458,216, C>A on the plus strand (G>T on the coding strand, the complement: PTCH1 is on the minus strand). VCF-style: chr9-95458216-C-A. GRCh37 (hg19) VCF-style: chr9-98220498-C-A.
Other names: c.2767G>T, p.Glu923Ter (NM_001083602.3); c.2962G>T, p.Glu988Ter (NM_001083603.3); c.2512G>T, p.Glu838Ter (NM_001083604.3, NM_001083605.3, NM_001083606.3 and 1 more transcripts); c.2809G>T, p.Glu937Ter (NM_001354918.2); short protein forms E988*, E923*, E937*, E989*, E838*.
Identifiers: ClinVar variation 653436 (VCV000653436.9), dbSNP rs1472299295, ClinGen allele CA374112684.
Genomic context (GRCh38, chr9:95,458,216, plus strand): 5'-AACTGGACAGCCCCAGGCTCGTATAGTTGCTGCAGATGGTCCTTACTTTTTCAATTGCCT[C>A]CACAAAGTCTGAGGTGTCCCGCAAGCCGTTGAGGTAGAAAGGGAACTGGGCATACTCGAT-3'